The following is an entry in ClinVar:

ClinVar aggregate classification (germline): Uncertain significance. Review status: criteria provided, multiple submitters, no conflicts (2 of 4 stars). 3 submissions from 3 submitters: Uncertain significance (3). Last evaluated 2026-05-01.

Conditions:
Marfan syndrome (MFS). Also called: MARFAN SYNDROME, TYPE I; Marfan syndrome type 1; Marfan's syndrome; FBN1-Related Marfan Syndrome; Marfan syndrome, classic. Identifiers: Orphanet 284963, Orphanet 558, MedGen C0024796, MONDO:0007947, OMIM 154700.
Familial thoracic aortic aneurysm and aortic dissection (TAAD). Also called: Thoracic aortic aneurysms and dissections. Identifiers: Orphanet 91387, MedGen C4707243, MONDO:0019625.

gnomAD v4.1: 2 of 1,613,906 alleles (0.00012%); highest among the groups gnomAD compares: Non-Finnish European, 0.00017%; no homozygotes.

Submissions (3):

Women's Health and Genetics/Laboratory Corporation of America, LabCorp
Classification: Uncertain significance. Last evaluated: 2026-05-01. Review status: criteria provided, single submitter. Criteria: LabCorp Variant Classification Summary - May 2015. Collection method: clinical testing. Allele origin: germline.
Comment: Variant summary: FBN1 c.1268C>T (p.Pro423Leu) results in a non-conservative amino acid change in the encoded protein sequence. Algorithms developed to predict the effect of missense changes on protein structure and function are either unavailable or do not agree on the potential impact of this missense change. The variant was absent in 251268 control chromosomes. The available data on variant occurrences in the general population are insufficient to allow any conclusion about variant significance. To our knowledge, no occurrence of c.1268C>T in individuals affected with FBN1-related conditions and no experimental evidence demonstrating its impact on protein function have been reported. ClinVar contains an entry for this variant (Variation ID: 3386855). Based on the evidence outlined above, the variant was classified as uncertain significance.

Labcorp Genetics (formerly Invitae), Labcorp
Classification: Uncertain significance for Marfan syndrome; Familial thoracic aortic aneurysm and aortic dissection. Last evaluated: 2024-11-27. Review status: criteria provided, single submitter. Criteria: Invitae Variant Classification Sherloc (09022015). Collection method: clinical testing. Allele origin: germline.
Comment: This sequence change replaces proline, which is neutral and non-polar, with leucine, which is neutral and non-polar, at codon 423 of the FBN1 protein (p.Pro423Leu). This variant is not present in population databases (gnomAD no frequency). This variant has not been reported in the literature in individuals affected with FBN1-related conditions. Invitae Evidence Modeling of protein sequence and biophysical properties (such as structural, functional, and spatial information, amino acid conservation, physicochemical variation, residue mobility, and thermodynamic stability) indicates that this missense variant is not expected to disrupt FBN1 protein function with a negative predictive value of 95%. In summary, the available evidence is currently insufficient to determine the role of this variant in disease. Therefore, it has been classified as a Variant of Uncertain Significance.

All of Us Research Program, National Institutes of Health
Classification: Uncertain significance for Marfan syndrome. Last evaluated: 2024-07-20. Review status: criteria provided, single submitter. Criteria: ACMG Guidelines, 2015. Collection method: clinical testing. Allele origin: germline. Inheritance: Autosomal dominant inheritance. Observed: 1 variant allele, 1 heterozygote.
Comment: This missense variant replaces proline with leucine at codon 423 of the FBN1 protein. Computational prediction suggests that this variant may not impact protein structure and function (internally defined REVEL score threshold <= 0.5, PMID: 27666373). To our knowledge, functional studies have not been reported for this variant. This variant has not been reported in individuals affected with FBN1-related disorders in the literature. This variant has not been identified in the general population by the Genome Aggregation Database (gnomAD). The available evidence is insufficient to determine the role of this variant in disease conclusively. Therefore, this variant is classified as a Variant of Uncertain Significance.

This study involves interpretation of variants in research participants for the purpose of population health screening. Participant phenotype was not available at the time of variant classification. Additional details can be found in publication PMID: 35346344, PMCID: PMC8962531

NM_000138.5(FBN1):c.1268C>T (p.Pro423Leu)

Gene: FBN1 (fibrillin 1; minus strand). Cytogenetic location: 15q21.1.
Variant type: single nucleotide variant.
Coding change: c.1268C>T on transcript NM_000138.5 (MANE Select); coding-DNA position 1268, C replaced by T.
Protein change: p.Pro423Leu; replaces proline 423 with leucine.
Molecular consequence: missense variant.
Genome position (GRCh38, 1-based): chr15:48,516,242, G>A on the plus strand (C>T on the coding strand, the complement: FBN1 is on the minus strand). VCF-style: chr15-48516242-G-A. GRCh37 (hg19) VCF-style: chr15-48808439-G-A.
Other names: c.1268C>T, p.Pro423Leu (NM_001406716.1); short protein forms P423L.
Identifiers: ClinVar variation 3386855 (VCV003386855.4).